The following is an entry in ClinVar:

ClinVar aggregate classification (germline): Benign/Likely benign. Review status: criteria provided, multiple submitters, no conflicts (2 of 4 stars). 7 submissions from 7 submitters: Benign (1); Likely benign (6). Last evaluated 2025-10-08.

Conditions:
Ataxia-telangiectasia syndrome (AT). Also called: LOUIS-BAR SYNDROME; ATAXIA-TELANGIECTASIA, COMPLEMENTATION GROUP A; ATAXIA-TELANGIECTASIA, FRESNO VARIANT; Ataxia-telangiectasia; Ataxia-telangiectasia, complementation group D; AT, COMPLEMENTATION GROUP C. Identifiers: Orphanet 100, MedGen C0004135, MONDO:0008840, OMIM 208900.
Hereditary cancer-predisposing syndrome. Also called: Tumor predisposition; Neoplastic Syndromes, Hereditary; Hereditary neoplastic syndrome; Hereditary Cancer Syndrome. Identifiers: Orphanet 140162, MedGen C0027672, MeSH D009386, MONDO:0015356.
Familial cancer of breast. Also called: BREAST CANCER, FAMILIAL; Hereditary breast cancer; hereditary breast carcinoma. Identifiers: Orphanet 227535, MedGen C0346153, MONDO:0016419, OMIM 114480. Disease mechanism: loss of function.

Allele frequency attached by ClinVar (database versions not stated): ExAC 0.00001.
gnomAD v4.1: 4 of 1,613,524 alleles (0.00025%); highest among the groups gnomAD compares: Non-Finnish European, 0.00025%; no homozygotes.

Submissions (7):

Labcorp Genetics (formerly Invitae), Labcorp
Classification: Likely benign for Ataxia-telangiectasia syndrome. Last evaluated: 2025-10-08. Review status: criteria provided, single submitter. Criteria: Invitae Variant Classification Sherloc (09022015). Collection method: clinical testing. Allele origin: germline.

Ambry Genetics
Classification: Likely benign for Hereditary cancer-predisposing syndrome. Last evaluated: 2024-09-26. Review status: criteria provided, single submitter. Criteria: Ambry Variant Classification Scheme 2023. Collection method: clinical testing. Allele origin: germline.

Myriad Genetics, Inc.
Classification: Benign for Familial cancer of breast. Last evaluated: 2024-05-17. Review status: criteria provided, single submitter. Criteria: Myriad Autosomal Dominant, Autosomal Recessive and X-Linked Classification Criteria (2023). Collection method: clinical testing. Allele origin: unknown.
Comment: This variant is considered benign. This variant is a silent/synonymous amino acid change and it is not expected to impact splicing.

Athena Diagnostics
Classification: Likely benign. Last evaluated: 2023-11-13. Review status: criteria provided, single submitter. Criteria: Athena Diagnostics Criteria. Collection method: clinical testing. Allele origin: unknown.

Blueprint Genetics
Classification: Likely benign. Last evaluated: 2022-06-07. Review status: criteria provided, single submitter. Criteria: ACMG Guidelines, 2015. Collection method: clinical testing. Allele origin: germline.

GeneDx
Classification: Likely benign. Last evaluated: 2019-07-03. Review status: criteria provided, single submitter. Criteria: GeneDx Variant Classification Process June 2021. Collection method: clinical testing. Allele origin: germline. Affected: yes.
Comment: This variant is associated with the following publications: (PMID: 30287823)

Color Diagnostics, LLC DBA Color Health
Classification: Likely benign for Hereditary cancer-predisposing syndrome. Last evaluated: 2017-03-08. Review status: criteria provided, single submitter. Criteria: ACMG Guidelines, 2015. Collection method: clinical testing. Allele origin: germline.

Literature cited by the submitters: PubMed 30287823 (cited by Athena Diagnostics); PubMed 28779002 (cited by Athena Diagnostics).

NM_000051.4(ATM):c.4332G>C (p.Leu1444=)

Gene: ATM (ATM serine/threonine kinase; plus strand). Cytogenetic location: 11q22.3.
Variant type: single nucleotide variant.
Coding change: c.4332G>C on transcript NM_000051.4 (MANE Select); coding-DNA position 4332, G replaced by C.
Protein change: p.Leu1444=; no amino-acid change (leucine 1444 retained).
Molecular consequence: synonymous variant.
Genome position (GRCh38, 1-based): chr11:108,289,697, G>C. VCF-style: chr11-108289697-G-C. GRCh37 (hg19) VCF-style: chr11-108160424-G-C.
Other names: c.4332G>C, p.Leu1444= (NM_001351834.2).
Identifiers: ClinVar variation 385337 (VCV000385337.24), dbSNP rs753570046, ClinGen allele CA6265436.